The following is an entry in ClinVar:

NM_001376.5(DYNC1H1):c.12316C>G (p.Leu4106Val)

Gene: DYNC1H1 (dynein cytoplasmic 1 heavy chain 1; plus strand). Cytogenetic location: 14q32.31.
Variant type: single nucleotide variant.
Coding change: c.12316C>G on transcript NM_001376.5 (MANE Select); coding-DNA position 12316, C replaced by G.
Protein change: p.Leu4106Val; replaces leucine 4106 with valine.
Molecular consequence: missense variant.
Genome position (GRCh38, 1-based): chr14:102,042,424, C>G. VCF-style: chr14-102042424-C-G. GRCh37 (hg19) VCF-style: chr14-102508761-C-G.
Other names: short protein forms L4106V.
Identifiers: ClinVar variation 4802083 (VCV004802083.1).

ClinVar aggregate classification (germline): Uncertain significance (1 of 4 stars; one submission).

Conditions:
Charcot-Marie-Tooth disease axonal type 2O. Also called: CHARCOT-MARIE-TOOTH NEUROPATHY, AXONAL, TYPE 2O; CHARCOT-MARIE-TOOTH DISEASE, AXONAL, AUTOSOMAL DOMINANT, TYPE 2O; Charcot-Marie-Tooth Neuropathy Type 2O; Charcot-Marie-Tooth disease, axonal, type 20. Identifiers: Orphanet 284232, MedGen C3280220, MONDO:0013644, OMIM 614228.

Submission:

Labcorp Genetics (formerly Invitae), Labcorp
Classification: Uncertain significance for Charcot-Marie-Tooth disease axonal type 2O. Last evaluated: 2025-07-13. Review status: criteria provided, single submitter. Criteria: Invitae Variant Classification Sherloc (09022015). Collection method: clinical testing. Allele origin: germline.
Comment: This sequence change replaces leucine, which is neutral and non-polar, with valine, which is neutral and non-polar, at codon 4106 of the DYNC1H1 protein (p.Leu4106Val). This variant is not present in population databases (gnomAD no frequency). This variant has not been reported in the literature in individuals affected with DYNC1H1-related conditions. Invitae Evidence Modeling of protein sequence and biophysical properties (such as structural, functional, and spatial information, amino acid conservation, physicochemical variation, residue mobility, and thermodynamic stability) indicates that this missense variant is not expected to disrupt DYNC1H1 protein function with a negative predictive value of 95%. In summary, the available evidence is currently insufficient to determine the role of this variant in disease. Therefore, it has been classified as a Variant of Uncertain Significance.